The following is an entry in ClinVar:

NM_000077.5(CDKN2A):c.204_205delinsTT (p.Glu69Ter)

Gene: CDKN2A (cyclin dependent kinase inhibitor 2A; minus strand). Cytogenetic location: 9p21.3.
Variant type: Indel.
Coding change: c.204_205delinsTT on transcript NM_000077.5; coding-DNA positions 204 to 205, GG replaced by TT.
Protein change: p.Glu69Ter; replaces glutamic acid 69 with a stop codon.
Molecular consequence: nonsense (on NM_000077.6). On other transcripts: missense variant (1), 3 prime UTR variant (1).
Genome position (GRCh38, 1-based): chr9:21,971,154-21,971,155, CC replaced by AA on the plus strand (GG replaced by TT on the coding strand, the reverse complement: CDKN2A is on the minus strand). VCF-style: chr9-21971154-CC-AA. GRCh37 (hg19) VCF-style: chr9-21971153-CC-AA.
Other names: c.204_205delGGinsTT, p.Glu69Ter (NM_000077.6); c.204_205delinsTT, p.Glu69Ter (NM_001195132.2); c.51_52delinsTT, p.Glu18Ter (NM_001363763.2); c.247_248delinsTT, p.Gly83Leu (NM_058195.4); c.*127_*128delinsTT (NM_058197.5); short protein forms E18*, E69*, G83L.
Identifiers: ClinVar variation 1075589 (VCV001075589.9), dbSNP rs2131095862, ClinGen allele CA645552526.

ClinVar aggregate classification (germline): Pathogenic (1 of 4 stars; one submission).

Conditions:
Familial melanoma. Also called: Hereditary melanoma; Hereditary cutaneous melanoma. Identifiers: Orphanet 618, MedGen C1512419, MONDO:0018961.

Submission:

Labcorp Genetics (formerly Invitae), Labcorp
Classification: Pathogenic for Familial melanoma. Last evaluated: 2020-06-17. Review status: criteria provided, single submitter. Criteria: Invitae Variant Classification Sherloc (09022015). Collection method: clinical testing. Allele origin: germline.
Comment: The CDKN2A gene encodes two different proteins, p16INK4a and p14ARF, which are translated from alternative transcripts that have different open reading frames. In summary, the currently available evidence indicates that the variant is pathogenic. While this evidence indicates that the variant confers risk of developing CDKN2A (p16INK4a)-associated conditions, the association of this variant with risk for developing CDKN2a (p14ARF)-associated conditions is still unclear. Loss-of-function variants in CDKN2A (p16INK4a) are known to be pathogenic (PMID: 15146471, 16905682). Algorithms developed to predict the effect of missense changes on protein structure and function are either unavailable or do not agree on the potential impact of p.Gly83Leu in p14ARF (SIFT: "Not Available"; PolyPhen-2: "Probably Damaging"; Align-GVGD: "Not Available"). This variant has not been reported in the literature in individuals with CDKN2A-related conditions. This variant is not present in population databases (ExAC no frequency). This sequence change creates a premature translational stop signal (p.Glu69*) in the CDKN2A (p16INK4a) mRNA. It is expected to result in an absent or disrupted protein product. Alternatively, this sequence change replaces glycine with leucine at codon 83 of the p14ARF protein (p.Gly83Leu). The glycine residue is weakly conserved and there is a moderate physicochemical difference between glycine and leucine.

Literature cited by the submitters: PubMed 15146471; PubMed 16905682.